The following is an entry in ClinVar:

ClinVar aggregate classification (germline): Uncertain significance (1 of 4 stars; one submission).

Allele frequency attached by ClinVar (database versions not stated): gnomAD exomes below 0.00001; TOPMed below 0.00001.
gnomAD v4.1: 3 of 1,612,972 alleles (0.00019%); highest among the groups gnomAD compares: Non-Finnish European, 0.00025%; no homozygotes.

Submission:

CeGaT Center for Human Genetics Tuebingen
Classification: Uncertain significance. Last evaluated: 2023-02-01. Review status: criteria provided, single submitter. Criteria: CeGaT Center For Human Genetics Tuebingen Variant Classification Criteria Version 2. Collection method: clinical testing. Allele origin: germline. Affected: yes. Observed: 1 variant allele.
Comment: SACS: PM2, PP3

NM_014363.6(SACS):c.4349G>T (p.Gly1450Val)

Gene: SACS (sacsin molecular chaperone; minus strand). Cytogenetic location: 13q12.12.
Variant type: single nucleotide variant.
Coding change: c.4349G>T on transcript NM_014363.6 (MANE Select); coding-DNA position 4349, G replaced by T.
Protein change: p.Gly1450Val; replaces glycine 1450 with valine.
Molecular consequence: missense variant.
Genome position (GRCh38, 1-based): chr13:23,339,527, C>A on the plus strand (G>T on the coding strand, the complement: SACS is on the minus strand). VCF-style: chr13-23339527-C-A. GRCh37 (hg19) VCF-style: chr13-23913666-C-A.
Other names: c.3908G>T, p.Gly1303Val (NM_001278055.2); short protein forms G1303V, G1450V.
Identifiers: ClinVar variation 2643675 (VCV002643675.24), dbSNP rs1317050000, ClinGen allele CA387529409.